The following is an entry in ClinVar:

NM_001005373.4(LRSAM1):c.2077G>A (p.Val693Ile)

Gene: LRSAM1 (leucine rich repeat and sterile alpha motif containing 1; plus strand). Cytogenetic location: 9q34.11.
Variant type: single nucleotide variant.
Coding change: c.2077G>A on transcript NM_001005373.4 (MANE Select); coding-DNA position 2077, G replaced by A.
Protein change: p.Val693Ile; replaces valine 693 with isoleucine.
Molecular consequence: missense variant. On other transcripts: non-coding transcript variant (2).
Genome position (GRCh38, 1-based): chr9:127,502,804, G>A. VCF-style: chr9-127502804-G-A. GRCh37 (hg19) VCF-style: chr9-130265083-G-A.
Other names: c.2077G>A, p.Val693Ile (NM_001005374.4, NM_001384142.1, NM_138361.5); c.1996G>A, p.Val666Ile (NM_001190723.3); c.1978G>A, p.Val660Ile (NM_001384143.1); c.1288G>A, p.Val430Ile (NM_001384144.1); c.2077G>A (NM_138361.4); short protein forms V666I, V430I, V660I, V693I.
Identifiers: ClinVar variation 2726352 (VCV002726352.4), dbSNP rs1479597940, ClinGen allele CA374938663.

ClinVar aggregate classification (germline): Uncertain significance. Review status: criteria provided, multiple submitters, no conflicts (2 of 4 stars). 2 submissions from 2 submitters: Uncertain significance (2). Last evaluated 2025-08-13.

Conditions:
Inborn genetic diseases. Identifiers: MedGen C0950123, MeSH D030342.
Charcot-Marie-Tooth disease axonal type 2P. Also called: CHARCOT-MARIE-TOOTH NEUROPATHY, TYPE 2P; Charcot-Marie-Tooth Neuropathy Type 2G; CHARCOT-MARIE-TOOTH DISEASE, AXONAL, TYPE 2G; CMT 2G. Identifiers: Orphanet 300319, Orphanet 99941, MedGen C3280797, MONDO:0013753, OMIM 614436.

Allele frequency attached by ClinVar (database versions not stated): gnomAD 0.00001; gnomAD exomes 0.00001; TOPMed 0.00001.

Submissions (2):

Ambry Genetics
Classification: Uncertain significance for Inborn genetic diseases. Last evaluated: 2025-08-13. Review status: criteria provided, single submitter. Criteria: Ambry Variant Classification Scheme 2023. Collection method: clinical testing. Allele origin: germline.

Labcorp Genetics (formerly Invitae), Labcorp
Classification: Uncertain significance for Charcot-Marie-Tooth disease axonal type 2P. Last evaluated: 2023-10-04. Review status: criteria provided, single submitter. Criteria: Invitae Variant Classification Sherloc (09022015). Collection method: clinical testing. Allele origin: germline.
Comment: This sequence change replaces valine, which is neutral and non-polar, with isoleucine, which is neutral and non-polar, at codon 693 of the LRSAM1 protein (p.Val693Ile). The frequency data for this variant in the population databases is considered unreliable, as metrics indicate poor data quality at this position in the gnomAD database. This variant has not been reported in the literature in individuals affected with LRSAM1-related conditions. Advanced modeling of protein sequence and biophysical properties (such as structural, functional, and spatial information, amino acid conservation, physicochemical variation, residue mobility, and thermodynamic stability) performed at Invitae indicates that this missense variant is not expected to disrupt LRSAM1 protein function. In summary, the available evidence is currently insufficient to determine the role of this variant in disease. Therefore, it has been classified as a Variant of Uncertain Significance.